The following is an entry in ClinVar:

NM_001231.5(CASQ1):c.1018G>A (p.Asp340Asn)

Gene: CASQ1 (calsequestrin 1; plus strand). Cytogenetic location: 1q23.2.
Variant type: single nucleotide variant.
Coding change: c.1018G>A on transcript NM_001231.5 (MANE Select); coding-DNA position 1018, G replaced by A.
Protein change: p.Asp340Asn; replaces aspartic acid 340 with asparagine.
Molecular consequence: missense variant.
Genome position (GRCh38, 1-based): chr1:160,199,884, G>A. VCF-style: chr1-160199884-G-A. GRCh37 (hg19) VCF-style: chr1-160169674-G-A.
Other names: short protein forms D340N.
Identifiers: ClinVar variation 522913 (VCV000522913.12), dbSNP rs749145120, ClinGen allele CA1196435.

ClinVar aggregate classification (germline): Conflicting classifications of pathogenicity. Review status: criteria provided, conflicting classifications (1 of 4 stars). 3 submissions from 3 submitters: Uncertain significance (2); Likely benign (1). Last evaluated 2025-10-15.

Conditions:
Myopathy due to calsequestrin and SERCA1 protein overload. Also called: Myopathy, vacuolar, with casq1 aggregates. Identifiers: Orphanet 88635, MedGen C4015624, MONDO:0014546, OMIM 616231.

Allele frequency attached by ClinVar (database versions not stated): TOPMed 0.00001; gnomAD 0.00010.
gnomAD v4.1: 39 of 1,613,486 alleles (0.0024%); highest among the groups gnomAD compares: Admixed American, 0.013%; no homozygotes.

Submissions (3):

Labcorp Genetics (formerly Invitae), Labcorp
Classification: Uncertain significance. Last evaluated: 2025-10-15. Review status: criteria provided, single submitter. Criteria: Invitae Variant Classification Sherloc (09022015). Collection method: clinical testing. Allele origin: germline.
Comment: This sequence change replaces aspartic acid, which is acidic and polar, with asparagine, which is neutral and polar, at codon 340 of the CASQ1 protein (p.Asp340Asn). This variant is present in population databases (rs749145120, gnomAD 0.01%). This variant has not been reported in the literature in individuals affected with CASQ1-related conditions. ClinVar contains an entry for this variant (Variation ID: 522913). Invitae Evidence Modeling of protein sequence and biophysical properties (such as structural, functional, and spatial information, amino acid conservation, physicochemical variation, residue mobility, and thermodynamic stability) indicates that this missense variant is not expected to disrupt CASQ1 protein function with a negative predictive value of 80%. In summary, the available evidence is currently insufficient to determine the role of this variant in disease. Therefore, it has been classified as a Variant of Uncertain Significance.

Women's Health and Genetics/Laboratory Corporation of America, LabCorp
Classification: Uncertain significance. Last evaluated: 2025-06-12. Review status: criteria provided, single submitter. Criteria: LabCorp Variant Classification Summary - May 2015. Collection method: clinical testing. Allele origin: germline.
Comment: Variant summary: CASQ1 c.1018G>A (p.Asp340Asn) results in a conservative amino acid change in the encoded protein sequence. Algorithms developed to predict the effect of missense changes on protein structure and function are either unavailable or do not agree on the potential impact of this missense change. The variant allele was found at a frequency of 3.6e-05 in 251458 control chromosomes. The available data on variant occurrences in the general population are insufficient to allow any conclusion about variant significance. To our knowledge, no occurrence of c.1018G>A in individuals affected with Myopathy Due To Calsequestrin And SERCA1 Protein Overload and no experimental evidence demonstrating its impact on protein function have been reported. ClinVar contains an entry for this variant (Variation ID: 522913). Based on the evidence outlined above, the variant was classified as uncertain significance.

Genomic Research Center, Shahid Beheshti University of Medical Sciences
Classification: Likely benign for Myopathy, vacuolar, with casq1 aggregates. Last evaluated: 2020-05-03. Review status: criteria provided, single submitter. Criteria: ACMG Guidelines, 2015. Collection method: clinical testing. Allele origin: unknown. Affected: yes.